The following is an entry in ClinVar:

ClinVar aggregate classification (germline): Likely benign (1 of 4 stars; one submission).

gnomAD v4.1: 168 of 1,613,932 alleles (0.01%); highest among the groups gnomAD compares: South Asian, 0.18%; 2 homozygotes.

Submission:

CeGaT Center for Human Genetics Tuebingen
Classification: Likely benign. Last evaluated: 2026-08-01. Review status: criteria provided, single submitter. Criteria: CeGaT Center For Human Genetics Tuebingen Variant Classification Criteria Version 2. Collection method: clinical testing. Allele origin: germline. Affected: yes. Observed: 1 variant allele.
Comment: ASXL2: BP4, BP7

NM_018263.6(ASXL2):c.642A>G (p.Glu214=)

Gene: ASXL2 (ASXL transcriptional regulator 2; minus strand). Cytogenetic location: 2p23.3.
Variant type: single nucleotide variant.
Coding change: c.642A>G on transcript NM_018263.6 (MANE Select); coding-DNA position 642, A replaced by G.
Protein change: p.Glu214=; no amino-acid change (glutamic acid 214 retained).
Molecular consequence: synonymous variant. On other transcripts: 5 prime UTR variant (1).
Genome position (GRCh38, 1-based): chr2:25,767,716, T>C on the plus strand (A>G on the coding strand, the complement: ASXL2 is on the minus strand). VCF-style: chr2-25767716-T-C. GRCh37 (hg19) VCF-style: chr2-25990585-T-C.
Other names: c.468A>G, p.Glu156= (NM_001369346.1); c.-139A>G (NM_001369347.1).
Identifiers: ClinVar variation 5039617 (VCV005039617.1).
Genomic context (GRCh38, chr2:25,767,716, plus strand): 5'-GGAAGAAAAGCTGGAGTTTGAGTTTTGAGGGCTGCCTGTCTGTCCATCAGATTGCTTTCC[T>C]TCCCATGTTGCTAGGAGAAAAAAATACGTATAAAGACTGGTAGCACTGAGATTATAGACA-3'
Protein context (NP_060733.4, residues 204-224): DSVPAKPATW[Glu214=]GKQSDGQTGS